The following is an entry in ClinVar:

ClinVar aggregate classification (germline): Uncertain significance (1 of 4 stars; one submission).

Conditions:
Mitochondrial DNA depletion syndrome 9 (MTDPS9). Also called: SUCLG1-Related Mitochondrial DNA Depletion Syndrome, Encephalomyopathic Form with Methylmalonic Aciduria. Identifiers: Orphanet 17, MedGen C3151476, MONDO:0009504, OMIM 245400.

Allele frequency attached by ClinVar (database versions not stated): gnomAD exomes below 0.00001; ExAC 0.00001; gnomAD 0.00001.
gnomAD v4.1: 2 of 1,614,030 alleles (0.00012%); highest among the groups gnomAD compares: Non-Finnish European, 0.000085%; no homozygotes.

Submission:

Foundation for Research in Genetics and Endocrinology, FRIGE's Institute of Human Genetics
Classification: Uncertain significance for Mitochondrial DNA depletion syndrome 9. Last evaluated: 2021-09-28. Review status: criteria provided, single submitter. Criteria: ACMG Guidelines, 2015. Collection method: clinical testing. Allele origin: germline. Inheritance: Autosomal recessive inheritance. Affected: yes. Observed: 1 homozygote.
Comment: A homozygous missense variation in exon 4 of the SUCLG1 gene that results in the amino acid substitution of Serine for Asparagine at codon 171 was detected. The observed variant c.512A>G (p.Asn171Ser) has not been reported in the 1000 genomes and has minor allele frequency of 0.0006% in the gnomAD database. The in silico prediction of the variant are possibly damaging by PolyPhen-2 (HumDiv) and damaging by MutationTaster2, LRT and SIFT. The reference codon is conserved across species. In summary, the variant meets our criteria to be classified as a variant of uncertain significance.

NM_003849.4(SUCLG1):c.512A>G (p.Asn171Ser)

Gene: SUCLG1 (succinate-CoA ligase GDP/ADP-forming subunit alpha; minus strand). Cytogenetic location: 2p11.2.
Variant type: single nucleotide variant.
Coding change: c.512A>G on transcript NM_003849.4 (MANE Select); coding-DNA position 512, A replaced by G.
Protein change: p.Asn171Ser; replaces asparagine 171 with serine.
Molecular consequence: missense variant.
Genome position (GRCh38, 1-based): chr2:84,441,266, T>C on the plus strand (A>G on the coding strand, the complement: SUCLG1 is on the minus strand). VCF-style: chr2-84441266-T-C. GRCh37 (hg19) VCF-style: chr2-84668390-T-C.
Other names: p.Asn171Ser; short protein forms N171S.
Identifiers: ClinVar variation 1710497 (VCV001710497.3), dbSNP rs765519303, ClinGen allele CA1736298.
Genomic context (GRCh38, chr2:84,441,266, plus strand): 5'-AGAGGCTTAATCTGAGTTTCTTTTTGTTTTTTTGCACTCACATTGATGACTCCAGGGCAG[T>C]TGGGCCCAATTAGCCTTGTCTTTTCCTGGCGCAGCAGTTTGTGCTTGACTCGTACCATGT-3'
Protein context (NP_003840.2, residues 161-181): RQEKTRLIGP[Asn171Ser]CPGVINPGEC